The following is an entry in ClinVar:

ClinVar aggregate classification (germline): Pathogenic. Review status: no assertion criteria provided (0 of 4 stars). 2 submissions from 2 submitters: Pathogenic (2).

Conditions:
Alkaptonuria (AKU). Also called: HOMOGENTISIC ACID OXIDASE DEFICIENCY; Alkaptonuric ochronosis; Alcaptonuria; Homogentisic acidura. Identifiers: Orphanet 56, MedGen C0002066, MONDO:0008753, OMIM 203500.

Submissions (2):

Chehab Lab, University of California, San Francisco
Classification: Pathogenic for Alkaptonuria. Review status: no assertion criteria provided. Collection method: research. Allele origin: inherited. Affected: yes. Observed: 1 variant allele.

Department Of Human Genetics, Institute Of Clinical And Translational Research, Biomedical Research Center, Slovak Academy Of Sciences
Classification: Pathogenic for Alkaptonuria. Review status: no assertion criteria provided. Collection method: research. Allele origin: germline. Inheritance: Autosomal recessive inheritance. Affected: yes. Observed: 10 variant alleles.
Comment: The variant was originally described in PMID:25233259. It has been submitted to the HGD gene mutation database (DB-ID: AKU_00164).

Literature cited by the submitters: PubMed 25233259 (cited by Chehab Lab, University of California, San Francisco and Department Of Human Genetics, Institute Of Clinical And Translational Research, Biomedical Research Center, Slovak Academy Of Sciences).

NM_000187.4(HGD):c.16-272_87+305del

Gene: HGD (homogentisate 1,2-dioxygenase; minus strand). Cytogenetic location: 3q13.33.
Variant type: Deletion.
Coding change: c.16-272_87+305del on transcript NM_000187.4 (MANE Select); 272 bases into the intron before coding-DNA position 16 through 305 bases into the intron after coding-DNA position 87, 649 bases deleted.
Molecular consequence: splice acceptor variant, splice donor variant.
Genome position (GRCh38, 1-based): chr3:120,675,487-120,676,135, 649 bases deleted. GRCh37 (hg19): chr3:120,394,335-120,394,983.
Identifiers: ClinVar variation 156275 (VCV000156275.4), dbSNP rs1553721650, ClinGen allele CA277981.